The following is an entry in ClinVar:

ClinVar aggregate classification (germline): Uncertain significance. Review status: criteria provided, single submitter (1 of 4 stars). 2 submissions from 2 submitters: Uncertain significance (1). 1 of the submissions does not count toward it. Last evaluated 2025-02-05.

Conditions:
FBLN1-related disorder. Also called: FBLN1-related condition.

Allele frequency attached by ClinVar (database versions not stated): TOPMed 0.00003; gnomAD 0.00004; ExAC 0.00007.
gnomAD v4.1: 36 of 1,613,892 alleles (0.0022%); highest among the groups gnomAD compares: East Asian, 0.029%; no homozygotes.

Submissions (2):

Ambry Genetics
Classification: Uncertain significance. Last evaluated: 2025-02-05. Review status: criteria provided, single submitter. Criteria: Ambry Variant Classification Scheme 2023. Collection method: clinical testing. Allele origin: germline.

PreventionGenetics, part of Exact Sciences
Classification: Likely benign for FBLN1-related condition. Last evaluated: 2023-10-03. Review status: no assertion criteria provided. Collection method: clinical testing. Allele origin: germline. Not counted in ClinVar's aggregate classification.
Comment: This variant is classified as likely benign based on ACMG/AMP sequence variant interpretation guidelines (Richards et al. 2015 PMID: 25741868, with internal and published modifications).

NM_006486.3(FBLN1):c.1663G>A (p.Glu555Lys)

Gene: FBLN1 (fibulin 1; plus strand). Cytogenetic location: 22q13.31.
Variant type: single nucleotide variant.
Coding change: c.1663G>A on transcript NM_006486.3 (MANE Select); coding-DNA position 1663, G replaced by A.
Protein change: p.Glu555Lys; replaces glutamic acid 555 with lysine.
Molecular consequence: missense variant.
Genome position (GRCh38, 1-based): chr22:45,550,581, G>A. VCF-style: chr22-45550581-G-A. GRCh37 (hg19) VCF-style: chr22-45946461-G-A.
Other names: c.1663G>A, p.Glu555Lys (NM_001996.4, NM_006485.4, NM_006487.3); short protein forms E555K.
Identifiers: ClinVar variation 3047886 (VCV003047886.3), dbSNP rs774274010, ClinGen allele CA10287033.